The following is an entry in ClinVar:

ClinVar aggregate classification (germline): Uncertain significance (1 of 4 stars; one submission).

Conditions:
Peroxisome biogenesis disorder 2B (PBD2B). Identifiers: Orphanet 44, MedGen C3550234, MONDO:0008736, OMIM 202370.

Allele frequency attached by ClinVar (database versions not stated): gnomAD exomes below 0.00001; ExAC 0.00001; TOPMed 0.00002.
gnomAD v4.1: 14 of 1,612,596 alleles (0.00087%); highest among the groups gnomAD compares: Non-Finnish European, 0.0012%; no homozygotes.

Submission:

Labcorp Genetics (formerly Invitae), Labcorp
Classification: Uncertain significance for Peroxisome biogenesis disorder 2B. Last evaluated: 2022-10-13. Review status: criteria provided, single submitter. Criteria: Invitae Variant Classification Sherloc (09022015). Collection method: clinical testing. Allele origin: germline.
Comment: This sequence change replaces lysine, which is basic and polar, with arginine, which is basic and polar, at codon 209 of the PEX5 protein (p.Lys209Arg). This variant is present in population databases (rs748132358, gnomAD 0.0009%). This variant has not been reported in the literature in individuals affected with PEX5-related conditions. ClinVar contains an entry for this variant (Variation ID: 1448193). Advanced modeling of protein sequence and biophysical properties (such as structural, functional, and spatial information, amino acid conservation, physicochemical variation, residue mobility, and thermodynamic stability) performed at Invitae indicates that this missense variant is not expected to disrupt PEX5 protein function. Experimental studies have shown that this missense change affects PEX5 function (PMID: 26344566). In summary, the available evidence is currently insufficient to determine the role of this variant in disease. Therefore, it has been classified as a Variant of Uncertain Significance.

Literature cited by the submitters: PubMed 26344566.

NM_001351132.2(PEX5):c.626A>G (p.Lys209Arg)

Gene: PEX5 (peroxisomal biogenesis factor 5; plus strand). Cytogenetic location: 12p13.31.
Variant type: single nucleotide variant.
Coding change: c.626A>G on transcript NM_001351132.2 (MANE Select); coding-DNA position 626, A replaced by G.
Protein change: p.Lys209Arg; replaces lysine 209 with arginine.
Molecular consequence: missense variant.
Genome position (GRCh38, 1-based): chr12:7,201,825, A>G. VCF-style: chr12-7201825-A-G. GRCh37 (hg19) VCF-style: chr12-7354421-A-G.
Other names: c.626A>G, p.Lys209Arg (NM_000319.5, NM_001131024.2, NM_001131025.2 and 19 more transcripts); c.671A>G, p.Lys224Arg (NM_001131023.2, NM_001351135.3, NM_001351138.2); short protein forms K209R, K224R.
Identifiers: ClinVar variation 1448193 (VCV001448193.3), dbSNP rs748132358, ClinGen allele CA6426206.